The following is an entry in ClinVar:

NM_001011547.3(SLC5A9):c.1827G>A (p.Glu609=)

Gene: SLC5A9 (solute carrier family 5 member 9; plus strand). Cytogenetic location: 1p33.
Variant type: single nucleotide variant.
Coding change: c.1827G>A on transcript NM_001011547.3 (MANE Select); coding-DNA position 1827, G replaced by A.
Protein change: p.Glu609=; no amino-acid change (glutamic acid 609 retained).
Molecular consequence: synonymous variant.
Genome position (GRCh38, 1-based): chr1:48,242,606, G>A. VCF-style: chr1-48242606-G-A. GRCh37 (hg19) VCF-style: chr1-48708278-G-A.
Other names: c.1902G>A, p.Glu634= (NM_001135181.2).
Identifiers: ClinVar variation 3059831 (VCV003059831.2), dbSNP rs75538709, ClinGen allele CA844029.
Genomic context (GRCh38, chr1:48,242,606, plus strand): 5'-GCCAGCCGGGGAGTGCCCTGCAGGAGGTGGAGCGGCAGAGAACTCGAGCCTGGGCCAGGA[G>A]CAGCCTGAAGGTAGGCTGCGGCAGGCCGGGGGATACTCATCACAGAGGAACAGGGGGGAC-3'
Protein context (NP_001011547.2, residues 599-619): GAAENSSLGQ[Glu609=]QPEAPSRSWG

ClinVar aggregate classification (germline): Benign (0 of 4 stars; one submission).

Conditions:
SLC5A9-related disorder. Also called: SLC5A9-related condition.

Allele frequency attached by ClinVar (database versions not stated): 1000 Genomes Project 30x 0.05044; 1000 Genomes Project 0.05052; TOPMed 0.07853; gnomAD 0.08057; ESP Exome Variant Server 0.08600.
gnomAD v4.1: 162,724 of 1,610,304 alleles (10%); highest among the groups gnomAD compares: Middle Eastern, 15%; 9,017 homozygotes.

Submission:

PreventionGenetics, part of Exact Sciences
Classification: Benign for SLC5A9-related condition. Last evaluated: 2019-10-29. Review status: no assertion criteria provided. Collection method: clinical testing. Allele origin: germline.
Comment: This variant is classified as benign based on ACMG/AMP sequence variant interpretation guidelines (Richards et al. 2015 PMID: 25741868, with internal and published modifications).